The following is an entry in ClinVar:

NM_000020.3(ACVRL1):c.442_444del (p.Glu148del)

Gene: ACVRL1 (activin A receptor like type 1; plus strand). Cytogenetic location: 12q13.13.
Variant type: Deletion.
Coding change: c.442_444del on transcript NM_000020.3 (MANE Select); coding-DNA positions 442 to 444, 3 bases deleted (GAG; older notation c.442_444delGAG).
Protein change: p.Glu148del; deletes glutamic acid 148.
Molecular consequence: inframe deletion. On other transcripts: intron variant (6).
Genome position (GRCh38, 1-based): chr12:51,913,687-51,913,689, GAG deleted; deleting any 3 consecutive bases within chr12:51,913,685-51,913,689 gives the same sequence; the c. name uses the placement nearest the transcript's 3' end. VCF-style (leftmost placement, unchanged base first): chr12-51913684-CAGG-C. GRCh37 (hg19) VCF-style: chr12-52307468-CAGG-C.
Other names: NM_001077401.2:c.442_444del; c.442_444del, p.Glu148del (NM_001077401.2, NM_001406487.1, NM_001406488.1 and 1 more transcripts); c.313+337_313+339del (NM_001406491.1, NM_001406490.1, NM_001406492.1 and 2 more transcripts); c.62-752_62-750del (NM_001406495.1); short protein forms E148del.
Identifiers: ClinVar variation 3064792 (VCV003064792.2), dbSNP rs1196124178, ClinGen allele CA605238909.

ClinVar aggregate classification (germline): Uncertain significance. Review status: reviewed by expert panel (3 of 4 stars). 2 submissions from 2 submitters: Uncertain significance (1). 1 of the submissions does not count toward it. Last evaluated 2024-03-15.

Conditions:
Telangiectasia, hereditary hemorrhagic, type 2 (HHT2). Also called: ACVRL1-Related Hereditary Hemorrhagic Telangiectasia; Telangiectasia, hereditary hemorrhagic, type II. Identifiers: Orphanet 774, MedGen C1838163, MONDO:0010880, OMIM 600376. Disease mechanism: loss of function.
ACVRL1-related disorder. Also called: ACVRL1-related condition; ACVRL1-related disorders.

Submissions (2):

ClinGen Hereditary Hemorrhagic Telangiectasia Variant Curation Expert Panel, ClinGen
Classification: Uncertain significance for Telangiectasia, hereditary hemorrhagic, type 2. Last evaluated: 2024-03-15. Review status: reviewed by expert panel. Criteria: ClinGen HHT ACMG Specifications ACVRL1 V1.1.0. Collection method: curation. Allele origin: germline. Inheritance: Autosomal dominant inheritance.
Comment: The NM_000020.3: c.442_444del variant in ACVRL1 is predicted to cause a change in the length of the protein due to an in-frame deletion of one amino acid in a non-repeat region (p.Glu148del) (PM4). The overall minor allele frequency in gnomAD v2.1.1 is 0.00003184 (1/31404 alleles, Note: variant failed random forest filters), which is lower than the ClinGen Hereditary Hemorrhagic Telangiectasia VCEP threshold (<6 total alleles) for PM2_Supporting, meeting this criterion (PM2_Supporting). In summary, this variant meets the criteria to be classified as a variant of uncertain significance for autosomal dominant hereditary hemorrhagic telangiectasia based on the ACMG/AMP criteria applied, as specified by the ClinGen Hereditary Hemorrhagic Telangiectasia Variant Curation Expert Panel: PM4, PM2_Supporting (specification version 1.0.0; 1/04/2024).

PreventionGenetics, part of Exact Sciences
Classification: Uncertain significance for ACVRL1-related condition. Last evaluated: 2026-02-06. Review status: criteria provided, single submitter. Criteria: ACMG Guidelines, 2015. Collection method: clinical testing. Allele origin: germline. Not counted in ClinVar's aggregate classification.
Comment: The ACVRL1 c.442_444delGAG variant is predicted to result in an in-frame deletion (p.Glu148del). To our knowledge, this variant has not been reported in the literature. This variant is reported in 0.011% of alleles in individuals of African descent in gnomAD (1 allele) but is absent from the most recent dataset. At this time, the clinical significance of this variant is uncertain due to the absence of conclusive functional and genetic evidence.